The following is an entry in ClinVar:

ClinVar aggregate classification (germline): Uncertain significance (1 of 4 stars; one submission).

Submission:

Women's Health and Genetics/Laboratory Corporation of America, LabCorp
Classification: Uncertain significance. Last evaluated: 2026-03-09. Review status: criteria provided, single submitter. Criteria: LabCorp Variant Classification Summary - May 2015. Collection method: clinical testing. Allele origin: germline.
Comment: Variant summary: MYO7A c.18+2_18+3insA alters a nucleotide located close to a canonical splice site and therefore could affect mRNA splicing, leading to a significantly altered protein sequence. Consensus agreement among computation tools predict no significant impact on normal splicing. However, these predictions have yet to be confirmed by functional studies. The variant was absent in 246990 control chromosomes. The available data on variant occurrences in the general population are insufficient to allow any conclusion about variant significance. To our knowledge, no occurrence of c.18+2_18+3insA in individuals affected with MYO7A-related conditions and no experimental evidence demonstrating its impact on protein function have been reported. No submitters have cited clinical-significance assessments for this variant to ClinVar. Based on the evidence outlined above, the variant was classified as uncertain significance.

NM_000260.4(MYO7A):c.18+2_18+3insA

Gene: MYO7A (myosin VIIA; plus strand). Cytogenetic location: 11q13.5.
Variant type: Insertion.
Coding change: c.18+2_18+3insA on transcript NM_000260.4 (MANE Select); the canonical splice donor site of the intron after coding-DNA position 18 through 3 bases into the intron after coding-DNA position 18, A inserted.
Molecular consequence: intron variant.
Genome position: GRCh38 VCF-style: chr11-77130654-T-TA. GRCh37 (hg19) VCF-style: chr11-76841700-T-TA.
Other names: c.-96+2_-96+3insA (NM_001369365.1); c.18+2_18+3insA (NM_001127180.2).
Identifiers: ClinVar variation 4847396 (VCV004847396.1).